The following is an entry in ClinVar:

NM_014391.3(ANKRD1):c.485del (p.Leu162fs)

Gene: ANKRD1 (ankyrin repeat domain 1; minus strand). Cytogenetic location: 10q23.31.
Variant type: Deletion.
Coding change: c.485del on transcript NM_014391.3 (MANE Select); coding-DNA position 485, one base deleted (T; older notation c.485delT).
Protein change: p.Leu162fs; shifts the reading frame from leucine 162.
Molecular consequence: frameshift variant.
Genome position (GRCh38, 1-based): chr10:90,917,799, A deleted on the plus strand (T on the coding strand, the reverse complement: ANKRD1 is on the minus strand); the first of 2 consecutive A bases (chr10:90,917,799-90,917,800); deleting either gives the same sequence. VCF-style (leftmost placement, unchanged base first): chr10-90917798-CA-C. GRCh37 (hg19) VCF-style: chr10-92677555-CA-C.
Other names: c.485delT (NM_014391.2); short protein forms L162fs.
Identifiers: ClinVar variation 201671 (VCV000201671.2), dbSNP rs794728976, ClinGen allele CA335087.

ClinVar aggregate classification (germline): Uncertain significance (1 of 4 stars; one submission).

Submission:

GeneDx
Classification: Uncertain significance. Last evaluated: 2013-03-29. Review status: criteria provided, single submitter. Criteria: GeneDx Variant Classification (06012015). Collection method: clinical testing. Allele origin: germline. Affected: yes.
Comment: The c.485delT variant in the ANKRD1 gene has not been reported as a disease-causing mutation or as a benign polymorphism, to our knowledge. This variant causes a shift in reading frame starting at codon Leucine 162, changing it to a Tryptophan, and creating a premature stop codon at position 11 of the new reading frame, denoted p.Leu162TrpfsX11. This variant is expected to result in either an abnormal, truncated protein product or loss of protein from this allele through nonsense-mediated mRNA decay. To date, the only pathogenic mutations in the ANKRD1 gene reported in association with cardiomyopathy have been missense mutations. These missense mutations are reported to alter the function and/or the localization of CARP in cardiomyocytes, and were hypothesized to interfere with the function of protein partners in the titin-N2A mechanosensory complex in a dominant negative manner (Moulik M et al., 2009; Arimura T et al., 2009; Duboscq-Bidot L et al., 2009). It is unknown if the c.485delT frameshift variant may also diminish interactions with the titin-N2A mechanosensory complex, as has been demonstrated for reported missense mutations.With the clinical and molecular information available at this time, we cannot definitively determine if c.485delT is a disease-causing mutation or a rare benign variant.